The following is an entry in ClinVar:

ClinVar aggregate classification (germline): Benign. Review status: criteria provided, multiple submitters, no conflicts (2 of 4 stars). 3 submissions from 3 submitters: Benign (2). 1 of the submissions does not count toward it. Last evaluated 2017-12-11.

Conditions:
PLXNB1-related disorder. Also called: PLXNB1-related condition.

Allele frequency attached by ClinVar (database versions not stated): gnomAD exomes 0.00128 and 0.00378; ExAC 0.00497; gnomAD 0.01334 and 0.01428; TOPMed 0.01600; ESP Exome Variant Server 0.01632; 1000 Genomes Project 0.01757; 1000 Genomes Project 30x 0.01874.
gnomAD v4.1: 3,970 of 1,609,040 alleles (0.25%); highest among the groups gnomAD compares: African/African-American, 4.4%; 84 homozygotes.

Submissions (3):

Labcorp Genetics (formerly Invitae), Labcorp
Classification: Benign. Last evaluated: 2017-12-11. Review status: criteria provided, single submitter. Criteria: Invitae Variant Classification Sherloc (09022015). Collection method: clinical testing. Allele origin: germline.

Breakthrough Genomics
Classification: Benign. Review status: criteria provided, single submitter. Criteria: ACMG Guidelines, 2015. Collection method: not provided. Allele origin: germline. Inheritance: Unknown mechanism. Affected: yes.

PreventionGenetics, part of Exact Sciences
Classification: Benign for PLXNB1-related condition. Last evaluated: 2019-03-26. Review status: no assertion criteria provided. Collection method: clinical testing. Allele origin: germline. Not counted in ClinVar's aggregate classification.
Comment: This variant is classified as benign based on ACMG/AMP sequence variant interpretation guidelines (Richards et al. 2015 PMID: 25741868, with internal and published modifications).

NM_001130082.3(PLXNB1):c.2258C>T (p.Ser753Leu)

Gene: PLXNB1 (plexin B1; minus strand). Cytogenetic location: 3p21.31.
Variant type: single nucleotide variant.
Coding change: c.2258C>T on transcript NM_001130082.3 (MANE Select); coding-DNA position 2258, C replaced by T.
Protein change: p.Ser753Leu; replaces serine 753 with leucine.
Molecular consequence: missense variant.
Genome position (GRCh38, 1-based): chr3:48,420,028, G>A on the plus strand (C>T on the coding strand, the complement: PLXNB1 is on the minus strand). VCF-style: chr3-48420028-G-A. GRCh37 (hg19) VCF-style: chr3-48461437-G-A.
Other names: c.2258C>T, p.Ser753Leu (NM_002673.6); short protein forms S753L.
Identifiers: ClinVar variation 770522 (VCV000770522.6), dbSNP rs35592743, ClinGen allele CA2374865.